The following is an entry in ClinVar:

NM_001348716.2(KDM6B):c.1674T>G (p.Ser558Arg)

Gene: KDM6B (lysine demethylase 6B; plus strand). Cytogenetic location: 17p13.1.
Variant type: single nucleotide variant.
Coding change: c.1674T>G on transcript NM_001348716.2 (MANE Select); coding-DNA position 1674, T replaced by G.
Protein change: p.Ser558Arg; replaces serine 558 with arginine.
Molecular consequence: missense variant.
Genome position (GRCh38, 1-based): chr17:7,847,962, T>G. VCF-style: chr17-7847962-T-G. GRCh37 (hg19) VCF-style: chr17-7751280-T-G.
Other names: c.1674T>G, p.Ser558Arg (NM_001080424.2); short protein forms S558R.
Identifiers: ClinVar variation 3368363 (VCV003368363.1).

ClinVar aggregate classification (germline): Uncertain significance (1 of 4 stars; one submission).

Submission:

GeneDx
Classification: Uncertain significance. Last evaluated: 2024-01-25. Review status: criteria provided, single submitter. Criteria: GeneDx Variant Classification Process June 2021. Collection method: clinical testing. Allele origin: germline. Affected: yes.
Comment: Not observed at significant frequency in large population cohorts (gnomAD); In silico analysis supports that this missense variant does not alter protein structure/function; Has not been previously published as pathogenic or benign to our knowledge